The following is an entry in ClinVar:

NM_183050.4(BCKDHB):c.1057C>G (p.Leu353Val)

Gene: BCKDHB (branched chain keto acid dehydrogenase E1 subunit beta; plus strand). Cytogenetic location: 6q14.1.
Variant type: single nucleotide variant.
Coding change: c.1057C>G on transcript NM_183050.4 (MANE Select); coding-DNA position 1057, C replaced by G.
Protein change: p.Leu353Val; replaces leucine 353 with valine.
Molecular consequence: missense variant. On other transcripts: non-coding transcript variant (1).
Genome position (GRCh38, 1-based): chr6:80,343,682, C>G. VCF-style: chr6-80343682-C-G. GRCh37 (hg19) VCF-style: chr6-81053399-C-G.
Other names: c.1057C>G, p.Leu353Val (NM_000056.5); c.847C>G, p.Leu283Val (NM_001318975.1); short protein forms L353V, L283V.
Identifiers: ClinVar variation 96565 (VCV000096565.12), dbSNP rs398124563, ClinGen allele CA224241.

ClinVar aggregate classification (germline): Uncertain significance. Review status: criteria provided, multiple submitters, no conflicts (2 of 4 stars). 2 submissions from 2 submitters: Uncertain significance (2). Last evaluated 2024-11-05.

Conditions:
Maple syrup urine disease (MSUD). Identifiers: Orphanet 511, MedGen C0024776, MeSH D008375, MONDO:0009563. Disease mechanism: loss of function.

Allele frequency attached by ClinVar (database versions not stated): gnomAD exomes below 0.00001 and 0.00001; ExAC 0.00001.
gnomAD v4.1: 5 of 1,613,948 alleles (0.00031%); highest among the groups gnomAD compares: Non-Finnish European, 0.00042%; no homozygotes.

Submissions (2):

Labcorp Genetics (formerly Invitae), Labcorp
Classification: Uncertain significance for Maple syrup urine disease. Last evaluated: 2024-11-05. Review status: criteria provided, single submitter. Criteria: Invitae Variant Classification Sherloc (09022015). Collection method: clinical testing. Allele origin: germline.
Comment: This sequence change replaces leucine, which is neutral and non-polar, with valine, which is neutral and non-polar, at codon 353 of the BCKDHB protein (p.Leu353Val). This variant is present in population databases (rs398124563, gnomAD 0.002%). This variant has not been reported in the literature in individuals affected with BCKDHB-related conditions. ClinVar contains an entry for this variant (Variation ID: 96565). Invitae Evidence Modeling of protein sequence and biophysical properties (such as structural, functional, and spatial information, amino acid conservation, physicochemical variation, residue mobility, and thermodynamic stability) indicates that this missense variant is expected to disrupt BCKDHB protein function with a positive predictive value of 80%. In summary, the available evidence is currently insufficient to determine the role of this variant in disease. Therefore, it has been classified as a Variant of Uncertain Significance.

Eurofins Ntd Llc (ga)
Classification: Uncertain significance. Last evaluated: 2013-09-04. Review status: criteria provided, single submitter. Criteria: EGL Classification Definitions 2015. Collection method: clinical testing. Allele origin: germline. Observed: 1 variant allele, 1 heterozygote.